The following is an entry in ClinVar:

NM_020549.5(CHAT):c.1058_1061dup (p.Ser355fs)

Gene: CHAT (choline O-acetyltransferase; plus strand). Cytogenetic location: 10q11.23.
Variant type: Duplication.
Coding change: c.1058_1061dup on transcript NM_020549.5 (MANE Select); coding-DNA positions 1058 to 1061, 4 bases duplicated (TGAC; older notation c.1058_1061dupTGAC).
Protein change: p.Ser355fs; shifts the reading frame from serine 355.
Molecular consequence: frameshift variant.
Genome position (GRCh38, 1-based): chr10:49,627,732-49,627,735, TGAC duplicated; duplicating any 4 consecutive bases within chr10:49,627,731-49,627,735 gives the same sequence; the c. name uses the placement nearest the transcript's 3' end. VCF-style (leftmost placement, unchanged base first): chr10-49627730-G-GCTGA. GRCh37 (hg19) VCF-style: chr10-50835776-G-GCTGA.
Other names: c.704_707dup, p.Ser237fs (NM_001142929.2, NM_001142934.2, NM_020984.4 and 2 more transcripts); c.812_815dup, p.Ser273fs (NM_001142933.2); short protein forms S237fs, S355fs, S273fs.
Identifiers: ClinVar variation 2760853 (VCV002760853.3), dbSNP rs2496362649, ClinGen allele CA2697558331.

ClinVar aggregate classification (germline): Pathogenic (1 of 4 stars; one submission).

Conditions:
Familial infantile myasthenia (CMS6). Also called: MYASTHENIC SYNDROME, PRESYNAPTIC, CONGENITAL, ASSOCIATED WITH EPISODIC APNEA; MYASTHENIC SYNDROME, CONGENITAL, 6, PRESYNAPTIC; Congenital myasthenic syndrome type 6. Identifiers: Orphanet 590, MedGen C0393929, MONDO:0009689, OMIM 254210.

Submission:

Labcorp Genetics (formerly Invitae), Labcorp
Classification: Pathogenic for Familial infantile myasthenia. Last evaluated: 2023-09-15. Review status: criteria provided, single submitter. Criteria: Invitae Variant Classification Sherloc (09022015). Collection method: clinical testing. Allele origin: germline.
Comment: For these reasons, this variant has been classified as Pathogenic. This variant has not been reported in the literature in individuals affected with CHAT-related conditions. This variant is not present in population databases (gnomAD no frequency). This sequence change creates a premature translational stop signal (p.Ser355Aspfs*3) in the CHAT gene. It is expected to result in an absent or disrupted protein product. Loss-of-function variants in CHAT are known to be pathogenic (PMID: 12548525, 21786365, 23292760).

Literature cited by the submitters: PubMed 12548525; PubMed 21786365; PubMed 23292760.